The following is an entry in ClinVar:

ClinVar aggregate classification (germline): Uncertain significance. Review status: criteria provided, multiple submitters, no conflicts (2 of 4 stars). 2 submissions from 2 submitters: Uncertain significance (2). Last evaluated 2019-10-02.

Conditions:
Inborn genetic diseases. Identifiers: MedGen C0950123, MeSH D030342.

Allele frequency attached by ClinVar (database versions not stated): gnomAD exomes below 0.00001; TOPMed below 0.00001.

Submissions (2):

GeneDx
Classification: Uncertain significance. Last evaluated: 2019-10-02. Review status: criteria provided, single submitter. Criteria: GeneDx Variant Classification Process June 2021. Collection method: clinical testing. Allele origin: germline. Affected: yes.
Comment: Not observed in large population cohorts (Lek et al., 2016); In silico analysis, which includes protein predictors and evolutionary conservation, supports that this variant does not alter protein structure/function; Has not been previously published as pathogenic or benign to our knowledge

Ambry Genetics
Classification: Uncertain significance for Inborn genetic diseases. Last evaluated: 2017-08-22. Review status: criteria provided, single submitter. Criteria: Ambry exome assertion method (8-5-2015). Collection method: clinical testing. Allele origin: germline. Affected: yes. Observed: 1 variant allele.

NM_020442.6(VARS2):c.1073C>T (p.Thr358Ile)

Gene: VARS2 (valyl-tRNA synthetase 2, mitochondrial; plus strand). Cytogenetic location: 6p21.33.
Variant type: single nucleotide variant.
Coding change: c.1073C>T on transcript NM_020442.6 (MANE Select); coding-DNA position 1073, C replaced by T.
Protein change: p.Thr358Ile; replaces threonine 358 with isoleucine.
Molecular consequence: missense variant.
Genome position (GRCh38, 1-based): chr6:30,918,914, C>T. VCF-style: chr6-30918914-C-T. GRCh37 (hg19) VCF-style: chr6-30886691-C-T.
Other names: c.653C>T, p.Thr218Ile (NM_001167733.3); c.1163C>T, p.Thr388Ile (NM_001167734.2); short protein forms T358I, T388I, T218I.
Identifiers: ClinVar variation 521893 (VCV000521893.7), dbSNP rs1554267386, ClinGen allele CA363170600.